The following is an entry in ClinVar:

NM_001003841.3(SLC6A19):c.1173+4G>A

Gene: SLC6A19 (solute carrier family 6 member 19; plus strand). Cytogenetic location: 5p15.33.
Variant type: single nucleotide variant.
Coding change: c.1173+4G>A on transcript NM_001003841.3 (MANE Select); 4 bases into the intron after coding-DNA position 1173, G replaced by A.
Molecular consequence: intron variant.
Genome position (GRCh38, 1-based): chr5:1,216,949, G>A. VCF-style: chr5-1216949-G-A. GRCh37 (hg19) VCF-style: chr5-1217064-G-A.
Identifiers: ClinVar variation 2197230 (VCV002197230.4), dbSNP rs1340301526, ClinGen allele CA557558596.

ClinVar aggregate classification (germline): Uncertain significance (1 of 4 stars; one submission).

Allele frequency attached by ClinVar (database versions not stated): gnomAD 0.00001; TOPMed 0.00002.
gnomAD v4.1: 5 of 1,612,248 alleles (0.00031%); highest among the groups gnomAD compares: Admixed American, 0.0083%; no homozygotes.

Submission:

Labcorp Genetics (formerly Invitae), Labcorp
Classification: Uncertain significance. Last evaluated: 2024-11-18. Review status: criteria provided, single submitter. Criteria: Invitae Variant Classification Sherloc (09022015). Collection method: clinical testing. Allele origin: germline.
Comment: This sequence change falls in intron 8 of the SLC6A19 gene. It does not directly change the encoded amino acid sequence of the SLC6A19 protein. It affects a nucleotide within the consensus splice site. This variant is present in population databases (no rsID available, gnomAD 0.01%). This variant has not been reported in the literature in individuals affected with SLC6A19-related conditions. ClinVar contains an entry for this variant (Variation ID: 2197230). Variants that disrupt the consensus splice site are a relatively common cause of aberrant splicing (PMID: 17576681, 9536098). Algorithms developed to predict the effect of sequence changes on RNA splicing suggest that this variant is not likely to affect RNA splicing. In summary, the available evidence is currently insufficient to determine the role of this variant in disease. Therefore, it has been classified as a Variant of Uncertain Significance.

Literature cited by the submitters: PubMed 17576681; PubMed 9536098.